The following is an entry in ClinVar:

ClinVar aggregate classification (germline): Likely benign (0 of 4 stars; one submission).

Conditions:
TIAM1-related disorder. Also called: TIAM1-related condition.

gnomAD v4.1: 70 of 1,614,050 alleles (0.0043%); highest among the groups gnomAD compares: Middle Eastern, 0.016%; no homozygotes.

Submission:

PreventionGenetics, part of Exact Sciences
Classification: Likely benign for TIAM1-related condition. Last evaluated: 2024-06-26. Review status: no assertion criteria provided. Collection method: clinical testing. Allele origin: germline.
Comment: This variant is classified as likely benign based on ACMG/AMP sequence variant interpretation guidelines (Richards et al. 2015 PMID: 25741868, with internal and published modifications).

NM_001353694.2(TIAM1):c.4389C>T (p.Ser1463=)

Gene: TIAM1 (TIAM Rac1 associated GEF 1; minus strand). Cytogenetic location: 21q22.11.
Variant type: single nucleotide variant.
Coding change: c.4389C>T on transcript NM_001353694.2 (MANE Select); coding-DNA position 4389, C replaced by T.
Protein change: p.Ser1463=; no amino-acid change (serine 1463 retained).
Molecular consequence: synonymous variant.
Genome position (GRCh38, 1-based): chr21:31,120,755, G>A on the plus strand (C>T on the coding strand, the complement: TIAM1 is on the minus strand). VCF-style: chr21-31120755-G-A. GRCh37 (hg19) VCF-style: chr21-32493073-G-A.
Other names: c.1488C>T, p.Ser496= (NM_001353684.2); c.1413C>T, p.Ser471= (NM_001353685.2); c.4314C>T, p.Ser1438= (NM_001353686.2, NM_001353687.2); c.4389C>T, p.Ser1463= (NM_001353688.1, NM_001353689.1, NM_001353690.1 and 4 more transcripts).
Identifiers: ClinVar variation 3350947 (VCV003350947.1).
Genomic context (GRCh38, chr21:31,120,755, plus strand): 5'-CCATCGGTCAGTGTCCCCACCACCGGGGGGCTGCTGGGACTCTTTCTCCGGGCTGCTTGC[G>A]GAGACGGCATCAGAATCAATGGTAAACCTGTTTCGAGCCAGCCGCCGCCTCCTCCTCCCA-3'
Protein context (NP_001340623.1, residues 1453-1473): NRFTIDSDAV[Ser1463=]ASSPEKESQQ